The following is an entry in ClinVar:

ClinVar aggregate classification (germline): Likely benign (1 of 4 stars; one submission).

gnomAD v4.1: 11 of 1,549,158 alleles (0.00071%); highest among the groups gnomAD compares: African/African-American, 0.0041%; no homozygotes.

Submission:

CeGaT Center for Human Genetics Tuebingen
Classification: Likely benign. Last evaluated: 2024-09-01. Review status: criteria provided, single submitter. Criteria: CeGaT Center For Human Genetics Tuebingen Variant Classification Criteria Version 2. Collection method: clinical testing. Allele origin: germline. Affected: yes. Observed: 1 variant allele.
Comment: SETD1B: PP2, BS1

NM_001353345.2(SETD1B):c.1268G>A (p.Arg423His)

Gene: SETD1B (SET domain containing 1B, histone lysine methyltransferase; plus strand). Cytogenetic location: 12q24.31.
Variant type: single nucleotide variant.
Coding change: c.1268G>A on transcript NM_001353345.2 (MANE Select); coding-DNA position 1268, G replaced by A.
Protein change: p.Arg423His; replaces arginine 423 with histidine.
Molecular consequence: missense variant.
Genome position (GRCh38, 1-based): chr12:121,810,213, G>A. VCF-style: chr12-121810213-G-A. GRCh37 (hg19) VCF-style: chr12-122248119-G-A.
Other names: short protein forms R423H.
Identifiers: ClinVar variation 3389303 (VCV003389303.14).